The following is an entry in ClinVar:

ClinVar aggregate classification (germline): Likely benign (1 of 4 stars; one submission).

gnomAD v4.1: 62 of 1,608,550 alleles (0.0039%); highest among the groups gnomAD compares: Middle Eastern, 0.017%; no homozygotes.

Submission:

CeGaT Center for Human Genetics Tuebingen
Classification: Likely benign. Last evaluated: 2025-06-01. Review status: criteria provided, single submitter. Criteria: CeGaT Center For Human Genetics Tuebingen Variant Classification Criteria Version 2. Collection method: clinical testing. Allele origin: germline. Affected: yes. Observed: 1 variant allele.
Comment: ZNF462: BP4, BP7

NM_021224.6(ZNF462):c.6402G>A (p.Pro2134=)

Gene: ZNF462 (zinc finger protein 462; plus strand). Cytogenetic location: 9q31.2.
Variant type: single nucleotide variant.
Coding change: c.6402G>A on transcript NM_021224.6 (MANE Select); coding-DNA position 6402, G replaced by A.
Protein change: p.Pro2134=; no amino-acid change (proline 2134 retained).
Molecular consequence: synonymous variant.
Genome position (GRCh38, 1-based): chr9:106,939,082, G>A. VCF-style: chr9-106939082-G-A. GRCh37 (hg19) VCF-style: chr9-109701363-G-A.
Other names: c.3807G>A, p.Pro1269= (NM_001347997.2).
Identifiers: ClinVar variation 3905412 (VCV003905412.10).